The following is an entry in ClinVar:

ClinVar aggregate classification (germline): Benign/Likely benign. Review status: criteria provided, multiple submitters, no conflicts (2 of 4 stars). 7 submissions from 7 submitters: Benign (2); Likely benign (5). Last evaluated 2026-04-01.

Conditions:
Transcobalamin II deficiency (TCN2D). Also called: TC II DEFICIENCY; TCN2 DEFICIENCY; Transcolabamin II deficiency. Identifiers: Orphanet 859, MedGen C0342701, MONDO:0010149, OMIM 275350.
Inborn genetic diseases. Identifiers: MedGen C0950123, MeSH D030342.

Allele frequency attached by ClinVar (database versions not stated): gnomAD exomes 0.00052 and 0.00096; ExAC 0.00104; gnomAD 0.00304 and 0.00321; 1000 Genomes Project 0.00319; ESP Exome Variant Server 0.00323; TOPMed 0.00357; 1000 Genomes Project 30x 0.00375.
gnomAD v4.1: 1,265 of 1,614,158 alleles (0.078%); highest among the groups gnomAD compares: African/African-American, 1.1%; 7 homozygotes.

Submissions (7):

CeGaT Center for Human Genetics Tuebingen
Classification: Likely benign. Last evaluated: 2026-04-01. Review status: criteria provided, single submitter. Criteria: CeGaT Center For Human Genetics Tuebingen Variant Classification Criteria Version 2. Collection method: clinical testing. Allele origin: germline. Affected: yes. Observed: 1 variant allele.
Comment: TCN2: BP4, BP7, BS1

Labcorp Genetics (formerly Invitae), Labcorp
Classification: Benign for Transcobalamin II deficiency. Last evaluated: 2026-01-28. Review status: criteria provided, single submitter. Criteria: Invitae Variant Classification Sherloc (09022015). Collection method: clinical testing. Allele origin: germline.

Ambry Genetics
Classification: Likely benign for Inborn genetic diseases. Last evaluated: 2025-08-25. Review status: criteria provided, single submitter. Criteria: Ambry Variant Classification Scheme 2023. Collection method: clinical testing. Allele origin: germline.

ARUP Laboratories, Molecular Genetics and Genomics, ARUP Laboratories
Classification: Benign for Transcobalamin II deficiency. Last evaluated: 2025-06-03. Review status: criteria provided, single submitter. Criteria: ARUP Molecular Germline Variant Investigation Process 2024. Collection method: clinical testing. Allele origin: germline.

Blueprint Genetics
Classification: Likely benign. Last evaluated: 2024-11-25. Review status: criteria provided, single submitter. Criteria: ACMG Guidelines, 2015. Collection method: clinical testing. Allele origin: germline.

Illumina Laboratory Services, Illumina
Classification: Likely benign for Transcobalamin II deficiency. Last evaluated: 2018-01-12. Review status: criteria provided, single submitter. Criteria: ICSL Variant Classification Criteria 13 December 2019. Collection method: clinical testing. Allele origin: germline.
Comment: This variant was observed in the ICSL laboratory as part of a predisposition screen in an ostensibly healthy population. It had not been previously curated by ICSL or reported in the Human Gene Mutation Database (HGMD: prior to June 1st, 2018), and was therefore a candidate for classification through an automated scoring system. Utilizing variant allele frequency, disease prevalence and penetrance estimates, and inheritance mode, an automated score was calculated to assess if this variant is too frequent to cause the disease. Based on the score and internal cut-off values, a variant classified as likely benign is not then subjected to further curation. The score for this variant resulted in a classification of likely benign for this disease.

Breakthrough Genomics
Classification: Likely benign. Review status: criteria provided, single submitter. Criteria: ACMG Guidelines, 2015. Collection method: not provided. Allele origin: germline. Inheritance: Autosomal recessive inheritance. Affected: yes.

NM_000355.4(TCN2):c.360G>A (p.Arg120=)

Gene: TCN2 (transcobalamin 2; plus strand). Cytogenetic location: 22q12.2.
Variant type: single nucleotide variant.
Coding change: c.360G>A on transcript NM_000355.4 (MANE Select); coding-DNA position 360, G replaced by A.
Protein change: p.Arg120=; no amino-acid change (arginine 120 retained).
Molecular consequence: synonymous variant. On other transcripts: intron variant (1).
Genome position (GRCh38, 1-based): chr22:30,612,975, G>A. VCF-style: chr22-30612975-G-A. GRCh37 (hg19) VCF-style: chr22-31008962-G-A.
Other names: c.346+14G>A (NM_001184726.2).
Identifiers: ClinVar variation 720461 (VCV000720461.20), dbSNP rs115272037, ClinGen allele CA10184596.